The following is an entry in ClinVar:

NM_001042492.3(NF1):c.7869+1G>A

Gene: NF1 (neurofibromin 1; plus strand). Cytogenetic location: 17q11.2.
Variant type: single nucleotide variant.
Coding change: c.7869+1G>A on transcript NM_001042492.3 (MANE Select); the canonical splice donor site of the intron after coding-DNA position 7869, G replaced by A.
Molecular consequence: splice donor variant.
Genome position (GRCh38, 1-based): chr17:31,357,091, G>A. VCF-style: chr17-31357091-G-A. GRCh37 (hg19) VCF-style: chr17-29684109-G-A.
Other names: c.7806+1G>A (NM_000267.4).
Identifiers: ClinVar variation 480091 (VCV000480091.13), dbSNP rs1329683225, ClinGen allele CA399018721.

ClinVar aggregate classification (germline): Pathogenic. Review status: criteria provided, multiple submitters, no conflicts (2 of 4 stars). 4 submissions from 4 submitters: Pathogenic (4). Last evaluated 2024-12-13.

Conditions:
Hereditary cancer-predisposing syndrome. Also called: Hereditary neoplastic syndrome; Neoplastic Syndromes, Hereditary; Tumor predisposition; Hereditary Cancer Syndrome. Identifiers: Orphanet 140162, MedGen C0027672, MeSH D009386, MONDO:0015356.
Neurofibromatosis, type 1 (NF1). Also called: VON RECKLINGHAUSEN DISEASE; Peripheral type neurofibromatosis; NEUROFIBROMATOSIS, TYPE I, SOMATIC; Neurofibromatosis, type I. Identifiers: Orphanet 636, MedGen C0027831, MONDO:0018975, OMIM 162200. Disease mechanism: loss of function.

Allele frequency attached by ClinVar (database versions not stated): gnomAD exomes below 0.00001.
gnomAD v4.1: 1 of 1,613,292 alleles (0.000062%); highest among the groups gnomAD compares: Non-Finnish European, 0.000085%; no homozygotes.

Submissions (4):

GeneDx
Classification: Pathogenic. Last evaluated: 2024-12-13. Review status: criteria provided, single submitter. Criteria: GeneDx Variant Classification Process June 2021. Collection method: clinical testing. Allele origin: germline. Affected: yes.
Comment: Canonical splice site variant predicted to result in a null allele in a gene for which loss of function is a known mechanism of disease; This variant is associated with the following publications: (PMID: 26056819, 29415745, 11857752, 12807981, 18546366, 31766501, 34953813)

Labcorp Genetics (formerly Invitae), Labcorp
Classification: Pathogenic for Neurofibromatosis, type 1. Last evaluated: 2024-01-24. Review status: criteria provided, single submitter. Criteria: Invitae Variant Classification Sherloc (09022015). Collection method: clinical testing. Allele origin: germline.
Comment: This sequence change affects a donor splice site in intron 52 of the NF1 gene. It is expected to disrupt RNA splicing. Variants that disrupt the donor or acceptor splice site typically lead to a loss of protein function (PMID: 16199547), and loss-of-function variants in NF1 are known to be pathogenic (PMID: 10712197, 23913538). This variant is present in population databases (no rsID available, gnomAD 0.0009%). Disruption of this splice site has been observed in individuals with neurofibromatosis type 1 (PMID: 11857752, 26056819). ClinVar contains an entry for this variant (Variation ID: 480091). Algorithms developed to predict the effect of sequence changes on RNA splicing suggest that this variant may disrupt the consensus splice site. For these reasons, this variant has been classified as Pathogenic.

Genome-Nilou Lab
Classification: Pathogenic for Neurofibromatosis, type 1. Last evaluated: 2022-03-15. Review status: criteria provided, single submitter. Criteria: ACMG Guidelines, 2015. Collection method: clinical testing. Allele origin: germline. Affected: no.

Ambry Genetics
Classification: Pathogenic for Hereditary cancer-predisposing syndrome. Last evaluated: 2016-02-05. Review status: criteria provided, single submitter. Criteria: Ambry Autosomal Dominant and X-Linked criteria (10/2015). Collection method: clinical testing. Allele origin: germline. Observed: 1 variant allele.
Comment: Thec.7869+1G>Aintronicpathogenic mutation results from a G to A substitution one nucleotide after codingexon53 of theNF1gene. This nucleotide position is highly conserved in available vertebrate species. This nucleotide position is highly conserved in available vertebrate species and,using theBDGPandESEfindersplice site prediction tools, the c.7869+1G>Aalterationis predicted to abolish the native splice donor site. Other nucleotide substitutions at this position (also known as c.7806+1 andIVS44+1) have beenidentifiedinsuspected-NF1cohorts and shown to causeexonskipping at themRNAlevel(Ars E et al,J. Med. Genet. 2003 Jun; 40(6):e82;ProsE et al,Hum.Mutat. 2008 Sep; 29(9):E173-93).In addition to the clinical data presented in the literature, since alterations that disrupt the canonical splice donor site are typically deleterious in nature, this alteration is interpreted as a disease-causing mutation (ACMGRecommendations for Standards for Interpretation and Reporting of Sequence Variations. Revision 2007.Genet Med.2008;10:294).

Literature cited by the submitters: PubMed 16199547 (cited by Labcorp Genetics (formerly Invitae), Labcorp); PubMed 10712197 (cited by Labcorp Genetics (formerly Invitae), Labcorp); PubMed 23913538 (cited by Labcorp Genetics (formerly Invitae), Labcorp); PubMed 11857752 (cited by Labcorp Genetics (formerly Invitae), Labcorp); PubMed 26056819 (cited by Labcorp Genetics (formerly Invitae), Labcorp and Ambry Genetics); PubMed 12807981 (cited by Ambry Genetics); PubMed 18546366 (cited by Ambry Genetics).